The following is an entry in ClinVar:

ClinVar aggregate classification (germline): Likely benign (0 of 4 stars; one submission).

Conditions:
EOMES-related disorder. Also called: EOMES-related condition.

Submission:

PreventionGenetics, part of Exact Sciences
Classification: Likely benign for EOMES-related condition. Last evaluated: 2019-12-19. Review status: no assertion criteria provided. Collection method: clinical testing. Allele origin: germline.
Comment: This variant is classified as likely benign based on ACMG/AMP sequence variant interpretation guidelines (Richards et al. 2015 PMID: 25741868, with internal and published modifications).

NM_001278182.2(EOMES):c.360CGC[6] (p.Ala130del)

Genes: EOMES (eomesodermin; minus strand), LOC129936390 (ATAC-STARR-seq lymphoblastoid silent region 14153; plus strand). Cytogenetic location: 3p24.1.
Variant type: Microsatellite.
Coding change: c.360CGC[6] on transcript NM_001278182.2 (MANE Select); six copies in a row of the 3-base unit CGC starting at c.360; the reference has seven copies in a row; one copy, 3 bases deleted.
Protein change: p.Ala130del; deletes alanine 130.
Molecular consequence: intron variant (on NM_001278183.2).
Genome position (GRCh38, 1-based): chr3:27,721,915-27,721,917, GCG deleted on the plus strand (CGC on the coding strand, the reverse complement: EOMES is on the minus strand); deleting any 3 consecutive bases within chr3:27,721,915-27,721,937 gives the same sequence; the position shown is the placement nearest the transcript's 3' end. VCF-style (leftmost placement, unchanged base first): chr3-27721914-CGCG-C. GRCh37 (hg19) VCF-style: chr3-27763405-CGCG-C.
Other names: c.360CGC[6], p.Ala130del (NM_005442.4); c.-5+495CGC[6] (NM_001278183.2); short protein forms A130del.
Identifiers: ClinVar variation 3055317 (VCV003055317.2), dbSNP rs3062761, ClinGen allele CA2292765.